The following is an entry in ClinVar:

ClinVar aggregate classification (germline): Pathogenic (1 of 4 stars; one submission).

Submission:

Labcorp Genetics (formerly Invitae), Labcorp
Classification: Pathogenic. Last evaluated: 2020-10-20. Review status: criteria provided, single submitter. Criteria: Invitae Variant Classification Sherloc (09022015). Collection method: clinical testing. Allele origin: germline.
Comment: For these reasons, this variant has been classified as Pathogenic. This variant has not been reported in the literature in individuals with LAMB3-related conditions. This variant is not present in population databases (ExAC no frequency). This sequence change creates a premature translational stop signal (p.Pro74Glnfs*25) in the LAMB3 gene. It is expected to result in an absent or disrupted protein product. Loss-of-function variants in LAMB3 are known to be pathogenic (PMID: 11023379, 16473856).

Literature cited by the submitters: PubMed 11023379; PubMed 16473856.

NM_000228.3(LAMB3):c.221_225del (p.Pro74fs)

Gene: LAMB3 (laminin subunit beta 3; minus strand). Cytogenetic location: 1q32.2.
Variant type: Deletion.
Coding change: c.221_225del on transcript NM_000228.3 (MANE Select); coding-DNA positions 221 to 225, 5 bases deleted (CTCAC; older notation c.221_225delCTCAC).
Protein change: p.Pro74fs; shifts the reading frame from proline 74.
Molecular consequence: frameshift variant.
Genome position (GRCh38, 1-based): chr1:209,638,607-209,638,611, GTGAG deleted on the plus strand (CTCAC on the coding strand, the reverse complement: LAMB3 is on the minus strand); deleting any 5 consecutive bases within chr1:209,638,607-209,638,612 gives the same sequence; the c. name uses the placement nearest the transcript's 3' end. VCF-style (leftmost placement, unchanged base first): chr1-209638606-TGTGAG-T. GRCh37 (hg19) VCF-style: chr1-209811951-TGTGAG-T.
Other names: c.221_225del, p.Pro74fs (NM_001017402.2, NM_001127641.1); short protein forms P74fs.
Identifiers: ClinVar variation 1073710 (VCV001073710.7), dbSNP rs2102446289, ClinGen allele CA2499214428.